The following is an entry in ClinVar:

NM_005198.5(CHKB):c.597C>T (p.Ile199=)

Genes: CHKB (choline kinase beta; minus strand), CHKB-CPT1B (CHKB-CPT1B readthrough (NMD candidate); minus strand). Cytogenetic location: 22q13.33.
Variant type: single nucleotide variant.
Coding change: c.597C>T on transcript NM_005198.5 (MANE Select); coding-DNA position 597, C replaced by T.
Protein change: p.Ile199=; no amino-acid change (isoleucine 199 retained).
Molecular consequence: synonymous variant. On other transcripts: non-coding transcript variant (1).
Genome position (GRCh38, 1-based): chr22:50,580,645, G>A on the plus strand (C>T on the coding strand, the complement: CHKB is on the minus strand). VCF-style: chr22-50580645-G-A. GRCh37 (hg19) VCF-style: chr22-51019074-G-A.
Identifiers: ClinVar variation 388216 (VCV000388216.18), dbSNP rs146409721, ClinGen allele CA10323720.
Genomic context (GRCh38, chr22:50,580,645, plus strand): 5'-CTTCAGGCTGTACATCTCCAGCAGGTTCATCTCAGGGAGGCCAGTTGGGGGCAGGTCCTG[G>A]ATCTGTTTTAGGTACCTGAAGCCCAAAGAATAGGATACACTGGCTCTGCTATTCTTTCCC-3'
Protein context (NP_005189.2, residues 189-209): FGTMERYLKQ[Ile199=]QDLPPTGLPE

ClinVar aggregate classification (germline): Likely benign. Review status: criteria provided, multiple submitters, no conflicts (2 of 4 stars). 4 submissions from 4 submitters: Likely benign (3). 1 of the submissions does not count toward it. Last evaluated 2025-12-09.

Conditions:
CHKB-related disorder. Also called: CHKB-related condition.
Megaconial type congenital muscular dystrophy (MDCMC). Also called: CHKB-Related Muscle Diseases; MUSCULAR DYSTROPHY, CONGENITAL, WITH MITOCHONDRIAL STRUCTURAL ABNORMALITIES; CHKB-Related Muscular Dystrophy. Identifiers: Orphanet 280671, MedGen C1865233, MONDO:0011246, OMIM 602541.

Allele frequency attached by ClinVar (database versions not stated): 1000 Genomes Project 0.00020; 1000 Genomes Project 30x 0.00031; ESP Exome Variant Server 0.00031; gnomAD 0.00031 and 0.00034; TOPMed 0.00032; gnomAD exomes 0.00013; ExAC 0.00018.
gnomAD v4.1: 1,066 of 1,614,058 alleles (0.066%); highest among the groups gnomAD compares: Non-Finnish European, 0.087%; 2 homozygotes.

Submissions (4):

Labcorp Genetics (formerly Invitae), Labcorp
Classification: Likely benign for Megaconial type congenital muscular dystrophy. Last evaluated: 2025-12-09. Review status: criteria provided, single submitter. Criteria: Invitae Variant Classification Sherloc (09022015). Collection method: clinical testing. Allele origin: germline.

Blueprint Genetics
Classification: Likely benign. Last evaluated: 2024-09-23. Review status: criteria provided, single submitter. Criteria: ACMG Guidelines, 2015. Collection method: clinical testing. Allele origin: germline.

GeneDx
Classification: Likely benign. Last evaluated: 2018-06-04. Review status: criteria provided, single submitter. Criteria: GeneDx Variant Classification Process June 2021. Collection method: clinical testing. Allele origin: germline. Affected: yes.

PreventionGenetics, part of Exact Sciences
Classification: Likely benign for CHKB-related condition. Last evaluated: 2022-06-17. Review status: no assertion criteria provided. Collection method: clinical testing. Allele origin: germline. Not counted in ClinVar's aggregate classification.
Comment: This variant is classified as likely benign based on ACMG/AMP sequence variant interpretation guidelines (Richards et al. 2015 PMID: 25741868, with internal and published modifications).